The following is an entry in ClinVar:

NM_018075.5(ANO10):c.1585G>T (p.Glu529Ter)

Gene: ANO10 (anoctamin 10; minus strand). Cytogenetic location: 3p22.1.
Variant type: single nucleotide variant.
Coding change: c.1585G>T on transcript NM_018075.5 (MANE Select); coding-DNA position 1585, G replaced by T.
Protein change: p.Glu529Ter; replaces glutamic acid 529 with a stop codon.
Molecular consequence: nonsense.
Genome position (GRCh38, 1-based): chr3:43,555,361, C>A on the plus strand (G>T on the coding strand, the complement: ANO10 is on the minus strand). VCF-style: chr3-43555361-C-A. GRCh37 (hg19) VCF-style: chr3-43596853-C-A.
Other names: c.1585G>T, p.Glu529Ter (NM_001204831.3, NM_001346463.2, NM_001346464.2 and 3 more transcripts); c.1387G>T, p.Glu463Ter (NM_001204832.3, NM_001346466.2, NM_001346469.2); c.1252G>T, p.Glu418Ter (NM_001204833.3); c.1015G>T, p.Glu339Ter (NM_001204834.3); short protein forms E339*, E418*, E463*, E529*.
Identifiers: ClinVar variation 1807057 (VCV001807057.5), dbSNP rs1303561743, ClinGen allele CA352341996.

ClinVar aggregate classification (germline): Pathogenic. Review status: criteria provided, multiple submitters, no conflicts (2 of 4 stars). 3 submissions from 3 submitters: Pathogenic (3). Last evaluated 2024-11-30.

Conditions:
Autosomal recessive spinocerebellar ataxia 10. Identifiers: Orphanet 284289, MedGen C3150998, MONDO:0013392, OMIM 613728.

Allele frequency attached by ClinVar (database versions not stated): TOPMed below 0.00001; gnomAD exomes below 0.00001.
gnomAD v4.1: 1 of 1,614,132 alleles (0.000062%); highest among the groups gnomAD compares: Admixed American, 0.0017%; no homozygotes.

Submissions (3):

Myriad Genetics, Inc.
Classification: Pathogenic for Autosomal recessive spinocerebellar ataxia 10. Last evaluated: 2024-11-30. Review status: criteria provided, single submitter. Criteria: Myriad Autosomal Dominant, Autosomal Recessive and X-Linked Classification Criteria (2023). Collection method: clinical testing. Allele origin: unknown.
Comment: NM_018075.3(ANO10):c.1585G>T(E529*) is expected to be pathogenic in the context of spinocerebellar ataxia, ANO10-related. This variant is predicted to lead to an abnormal or absent protein product due to the creation of a premature termination codon in ANO10, a gene where loss-of-function variants are known to be pathogenic. Please note: this variant was assessed in the context of healthy population screening.

Labcorp Genetics (formerly Invitae), Labcorp
Classification: Pathogenic. Last evaluated: 2023-10-15. Review status: criteria provided, single submitter. Criteria: Invitae Variant Classification Sherloc (09022015). Collection method: clinical testing. Allele origin: germline.
Comment: This sequence change creates a premature translational stop signal (p.Glu529*) in the ANO10 gene. It is expected to result in an absent or disrupted protein product. Loss-of-function variants in ANO10 are known to be pathogenic (PMID: 25089919). This variant is not present in population databases (gnomAD no frequency). This variant has not been reported in the literature in individuals affected with ANO10-related conditions. ClinVar contains an entry for this variant (Variation ID: 1807057). For these reasons, this variant has been classified as Pathogenic.

Athena Diagnostics
Classification: Pathogenic. Last evaluated: 2021-10-25. Review status: criteria provided, single submitter. Criteria: Athena Diagnostics Criteria. Collection method: clinical testing. Allele origin: unknown.
Comment: This variant is expected to result in the loss of a functional protein. This variant has not been reported in large, multi-ethnic general populations. This variant has been identified in at least one individual tested at Athena Diagnostics with clinical features associated with this gene.

Literature cited by the submitters: PubMed 25089919 (cited by Labcorp Genetics (formerly Invitae), Labcorp).